The following is an entry in ClinVar:

ClinVar aggregate classification (germline): Uncertain significance. Review status: criteria provided, multiple submitters, no conflicts (2 of 4 stars). 3 submissions from 3 submitters: Uncertain significance (3). Last evaluated 2025-09-01.

gnomAD v4.1: 29 of 1,614,088 alleles (0.0018%); highest among the groups gnomAD compares: African/African-American, 0.004%; no homozygotes.

Submissions (3):

CeGaT Center for Human Genetics Tuebingen
Classification: Uncertain significance. Last evaluated: 2025-09-01. Review status: criteria provided, single submitter. Criteria: CeGaT Center For Human Genetics Tuebingen Variant Classification Criteria Version 2. Collection method: clinical testing. Allele origin: germline. Affected: yes. Observed: 1 variant allele.
Comment: ARHGEF10: PM2:Supporting, BP4

Women's Health and Genetics/Laboratory Corporation of America, LabCorp
Classification: Uncertain significance. Last evaluated: 2024-12-10. Review status: criteria provided, single submitter. Criteria: LabCorp Variant Classification Summary - May 2015. Collection method: clinical testing. Allele origin: germline.
Comment: Variant summary: ARHGEF10 c.2023G>A (p.Val675Ile) results in a conservative amino acid change in the encoded protein sequence. Three of five in-silico tools predict a benign effect of the variant on protein function. The variant allele was found at a frequency of 2.4e-05 in 251486 control chromosomes. The available data on variant occurrences in the general population are insufficient to allow any conclusion about variant significance. To our knowledge, no occurrence of c.2023G>A in individuals affected with Autosomal dominant slowed nerve conduction velocity and no experimental evidence demonstrating its impact on protein function have been reported. No submitters have cited clinical-significance assessments for this variant to ClinVar. Based on the evidence outlined above, the variant was classified as uncertain significance.

Ambry Genetics
Classification: Uncertain significance. Last evaluated: 2024-08-19. Review status: criteria provided, single submitter. Criteria: Ambry Variant Classification Scheme 2023. Collection method: clinical testing. Allele origin: germline.

NM_014629.4(ARHGEF10):c.2023G>A (p.Val675Ile)

Gene: ARHGEF10 (Rho guanine nucleotide exchange factor 10; plus strand). Cytogenetic location: 8p23.3.
Variant type: single nucleotide variant.
Coding change: c.2023G>A on transcript NM_014629.4 (MANE Select); coding-DNA position 2023, G replaced by A.
Protein change: p.Val675Ile; replaces valine 675 with isoleucine.
Molecular consequence: missense variant.
Genome position (GRCh38, 1-based): chr8:1,909,350, G>A. VCF-style: chr8-1909350-G-A. GRCh37 (hg19) VCF-style: chr8-1857516-G-A.
Other names: c.1909G>A, p.Val637Ile (NM_001308152.2); c.2023G>A, p.Val675Ile (NM_001308153.3); short protein forms V699I, V637I, V675I.
Identifiers: ClinVar variation 3425058 (VCV003425058.9).